The following is an entry in ClinVar:

ClinVar aggregate classification (germline): Benign (0 of 4 stars; one submission).

Conditions:
ITIH4-related disorder. Also called: ITIH4-related condition.

Allele frequency attached by ClinVar (database versions not stated): ExAC 0.06486; gnomAD 0.11024; ESP Exome Variant Server 0.11695; TOPMed 0.11938; 1000 Genomes Project 0.17073; 1000 Genomes Project 30x 0.17614.
gnomAD v4.1: 51,559 of 1,614,048 alleles (3.2%); highest among the groups gnomAD compares: African/African-American, 36%; 7,522 homozygotes.

Submissions (18):

PreventionGenetics, part of Exact Sciences
Classification: Benign for ITIH4-related condition. Last evaluated: 2019-11-06. Review status: no assertion criteria provided. Collection method: clinical testing. Allele origin: germline.
Comment: This variant is classified as benign based on ACMG/AMP sequence variant interpretation guidelines (Richards et al. 2015 PMID: 25741868, with internal and published modifications).

Dr. Peter K. Rogan Lab, Western University
No classification provided (evidence only). Condition: Acute myeloid leukemia. Review status: no classification provided. Collection method: in vitro. Allele origin: not applicable. Functional consequence: retained intron. Not counted in ClinVar's aggregate classification.

Dr. Peter K. Rogan Lab, Western University
No classification provided (evidence only). Condition: Cervical cancer. Review status: no classification provided. Collection method: in vitro. Allele origin: not applicable. Functional consequence: retained intron. Not counted in ClinVar's aggregate classification.

Dr. Peter K. Rogan Lab, Western University
No classification provided (evidence only). Condition: Sarcoma. Review status: no classification provided. Collection method: in vitro. Allele origin: not applicable. Functional consequence: retained intron. Not counted in ClinVar's aggregate classification.

Dr. Peter K. Rogan Lab, Western University
No classification provided (evidence only). Condition: Hepatocellular carcinoma. Review status: no classification provided. Collection method: in vitro. Allele origin: not applicable. Functional consequence: skipped exon. Not counted in ClinVar's aggregate classification.

Dr. Peter K. Rogan Lab, Western University
No classification provided (evidence only). Condition: Hepatocellular carcinoma. Review status: no classification provided. Collection method: in vitro. Allele origin: not applicable. Functional consequence: retained intron. Not counted in ClinVar's aggregate classification.

Dr. Peter K. Rogan Lab, Western University
No classification provided (evidence only). Condition: Hepatocellular carcinoma. Review status: no classification provided. Collection method: in vitro. Allele origin: not applicable. Functional consequence: skipped exon. Not counted in ClinVar's aggregate classification.

Dr. Peter K. Rogan Lab, Western University
No classification provided (evidence only). Condition: Hepatocellular carcinoma. Review status: no classification provided. Collection method: in vitro. Allele origin: not applicable. Functional consequence: skipped exon. Not counted in ClinVar's aggregate classification.

Dr. Peter K. Rogan Lab, Western University
No classification provided (evidence only). Condition: Hepatocellular carcinoma. Review status: no classification provided. Collection method: in vitro. Allele origin: not applicable. Functional consequence: skipped exon. Not counted in ClinVar's aggregate classification.

Dr. Peter K. Rogan Lab, Western University
No classification provided (evidence only). Condition: Thymoma. Review status: no classification provided. Collection method: in vitro. Allele origin: not applicable. Functional consequence: retained intron. Not counted in ClinVar's aggregate classification.

Dr. Peter K. Rogan Lab, Western University
No classification provided (evidence only). Condition: Thymoma. Review status: no classification provided. Collection method: in vitro. Allele origin: not applicable. Functional consequence: retained intron. Not counted in ClinVar's aggregate classification.

Dr. Peter K. Rogan Lab, Western University
No classification provided (evidence only). Condition: Thymoma. Review status: no classification provided. Collection method: in vitro. Allele origin: not applicable. Functional consequence: retained intron. Not counted in ClinVar's aggregate classification.

Dr. Peter K. Rogan Lab, Western University
No classification provided (evidence only). Condition: Malignant tumor of esophagus. Review status: no classification provided. Collection method: in vitro. Allele origin: not applicable. Functional consequence: retained intron. Not counted in ClinVar's aggregate classification.

Dr. Peter K. Rogan Lab, Western University
No classification provided (evidence only). Condition: Malignant tumor of esophagus. Review status: no classification provided. Collection method: in vitro. Allele origin: not applicable. Functional consequence: retained intron. Not counted in ClinVar's aggregate classification.

Dr. Peter K. Rogan Lab, Western University
No classification provided (evidence only). Condition: Malignant tumor of esophagus. Review status: no classification provided. Collection method: in vitro. Allele origin: not applicable. Functional consequence: retained intron. Not counted in ClinVar's aggregate classification.

Dr. Peter K. Rogan Lab, Western University
No classification provided (evidence only). Condition: Malignant tumor of esophagus. Review status: no classification provided. Collection method: in vitro. Allele origin: not applicable. Functional consequence: retained intron. Not counted in ClinVar's aggregate classification.

Dr. Peter K. Rogan Lab, Western University
No classification provided (evidence only). Condition: Malignant tumor of esophagus. Review status: no classification provided. Collection method: in vitro. Allele origin: not applicable. Functional consequence: retained intron. Not counted in ClinVar's aggregate classification.

Dr. Peter K. Rogan Lab, Western University
No classification provided (evidence only). Condition: Malignant tumor of esophagus. Review status: no classification provided. Collection method: in vitro. Allele origin: not applicable. Functional consequence: retained intron. Not counted in ClinVar's aggregate classification.

NM_002218.5(ITIH4):c.2006A>T (p.Gln669Leu)

Gene: ITIH4 (inter-alpha-trypsin inhibitor heavy chain 4; minus strand). Cytogenetic location: 3p21.1.
Variant type: single nucleotide variant.
Coding change: c.2006A>T on transcript NM_002218.5 (MANE Select); coding-DNA position 2006, A replaced by T.
Protein change: p.Gln669Leu; replaces glutamine 669 with leucine.
Molecular consequence: missense variant.
Genome position (GRCh38, 1-based): chr3:52,819,464, T>A on the plus strand (A>T on the coding strand, the complement: ITIH4 is on the minus strand). VCF-style: chr3-52819464-T-A. GRCh37 (hg19) VCF-style: chr3-52853480-T-A.
Other names: NC_000003.11:g.52853480T>A; c.1916A>T, p.Gln639Leu (NM_001166449.2); short protein forms Q639L, Q669L.
Identifiers: ClinVar variation 3059222 (VCV003059222.3), dbSNP rs2276814, ClinGen allele CA2449137.